The following is an entry in ClinVar:

ClinVar aggregate classification (germline): Uncertain significance (1 of 4 stars; one submission).

Allele frequency attached by ClinVar (database versions not stated): gnomAD exomes below 0.00001.

Submission:

GeneDx
Classification: Uncertain significance. Last evaluated: 2019-09-30. Review status: criteria provided, single submitter. Criteria: GeneDx Variant Classification Process June 2021. Collection method: clinical testing. Allele origin: germline. Affected: yes.
Comment: In silico analysis, which includes protein predictors and evolutionary conservation, supports a deleterious effect; Has not been previously published as pathogenic or benign to our knowledge

NM_021830.5(TWNK):c.1289T>A (p.Leu430Gln)

Gene: TWNK (twinkle mtDNA helicase; plus strand). Cytogenetic location: 10q24.31.
Variant type: single nucleotide variant.
Coding change: c.1289T>A on transcript NM_021830.5 (MANE Select); coding-DNA position 1289, T replaced by A.
Protein change: p.Leu430Gln; replaces leucine 430 with glutamine.
Molecular consequence: missense variant. On other transcripts: 5 prime UTR variant (2), non-coding transcript variant (2), intron variant (1).
Genome position (GRCh38, 1-based): chr10:100,989,689, T>A. VCF-style: chr10-100989689-T-A. GRCh37 (hg19) VCF-style: chr10-102749446-T-A.
Other names: c.1289T>A, p.Leu430Gln (NM_001163812.2); c.-74T>A (NM_001163813.2, NM_001163814.2); c.-57-17T>A (NM_001368275.1); short protein forms L430Q.
Identifiers: ClinVar variation 1308819 (VCV001308819.2), dbSNP rs1564809091, ClinGen allele CA378210413.